The following is an entry in ClinVar:

NM_153240.5(NPHP3):c.1997C>T (p.Thr666Ile)

Genes: NPHP3 (nephrocystin 3; minus strand), NPHP3-ACAD11 (NPHP3-ACAD11 readthrough (NMD candidate); minus strand). Cytogenetic location: 3q22.1.
Variant type: single nucleotide variant.
Coding change: c.1997C>T on transcript NM_153240.5 (MANE Select); coding-DNA position 1997, C replaced by T.
Protein change: p.Thr666Ile; replaces threonine 666 with isoleucine.
Molecular consequence: missense variant. On other transcripts: non-coding transcript variant (1).
Genome position (GRCh38, 1-based): chr3:132,697,351, G>A on the plus strand (C>T on the coding strand, the complement: NPHP3 is on the minus strand). VCF-style: chr3-132697351-G-A. GRCh37 (hg19) VCF-style: chr3-132416195-G-A.
Other names: short protein forms T666I.
Identifiers: ClinVar variation 3370212 (VCV003370212.2).
Genomic context (GRCh38, chr3:132,697,351, plus strand): 5'-TGGCATTCTGCAATTATAATAGATTTTGCATCTTTTGGACTTAAGGGATCAAGATGAAGT[G>A]TAGGCCACAACCTTTTATGTAAAGAAAAGAAAAATGAAATTTTAATAATACAACAAGAAC-3'
Protein context (NP_694972.3, residues 656-676): TCPPAWRLWP[Thr666Ile]LHLDPLSPKD

ClinVar aggregate classification (germline): Uncertain significance (1 of 4 stars; one submission).

gnomAD v4.1: 4 of 1,607,232 alleles (0.00025%); highest among the groups gnomAD compares: Non-Finnish European, 0.00034%; no homozygotes.

Submission:

GeneDx
Classification: Uncertain significance. Last evaluated: 2025-04-01. Review status: criteria provided, single submitter. Criteria: GeneDx Variant Classification Process June 2021. Collection method: clinical testing. Allele origin: germline.
Comment: Not observed at significant frequency in large population cohorts (gnomAD); In silico analysis supports that this missense variant does not alter protein structure/function; Has not been previously published as pathogenic or benign to our knowledge